The following is an entry in ClinVar:

NM_015909.4(NBAS):c.1342-1G>C

Gene: NBAS (NBAS subunit of NRZ tethering complex; minus strand). Cytogenetic location: 2p24.3.
Variant type: single nucleotide variant.
Coding change: c.1342-1G>C on transcript NM_015909.4 (MANE Select); the canonical splice acceptor site of the intron before coding-DNA position 1342, G replaced by C.
Molecular consequence: splice acceptor variant.
Genome position (GRCh38, 1-based): chr2:15,474,325, C>G on the plus strand (G>C on the coding strand, the complement: NBAS is on the minus strand). VCF-style: chr2-15474325-C-G. GRCh37 (hg19) VCF-style: chr2-15614449-C-G.
Identifiers: ClinVar variation 3691503 (VCV003691503.3).

ClinVar aggregate classification (germline): Likely pathogenic. Review status: criteria provided, single submitter (1 of 4 stars). 2 submissions from 2 submitters: Likely pathogenic (1). 1 of the submissions does not count toward it. Last evaluated 2024-06-22.

Conditions:
Short stature-optic atrophy-Pelger-Huët anomaly syndrome. Also called: Short stature, optic nerve atrophy, and Pelger-Huet anomaly; Short stature-optic atrophy-Pelger-HuC+t anomaly syndrome. Identifiers: Orphanet 391677, MedGen C3541319, MONDO:0013889, OMIM 614800.

Submissions (2):

Labcorp Genetics (formerly Invitae), Labcorp
Classification: Likely pathogenic. Last evaluated: 2024-06-22. Review status: criteria provided, single submitter. Criteria: Invitae Variant Classification Sherloc (09022015). Collection method: clinical testing. Allele origin: germline.
Comment: This sequence change affects an acceptor splice site in intron 14 of the NBAS gene. It is expected to disrupt RNA splicing. Variants that disrupt the donor or acceptor splice site typically lead to a loss of protein function (PMID: 16199547), and loss-of-function variants in NBAS are known to be pathogenic (PMID: 26073778, 26541327, 27789416, 28031453). This variant is not present in population databases (gnomAD no frequency). This variant has not been reported in the literature in individuals affected with NBAS-related conditions. Algorithms developed to predict the effect of sequence changes on RNA splicing suggest that this variant may disrupt the consensus splice site. In summary, the currently available evidence indicates that the variant is pathogenic, but additional data are needed to prove that conclusively. Therefore, this variant has been classified as Likely Pathogenic.

Laboratory of Research in Genomics, Genetics and Bioinformatics, Hospital Infantil de Mexico Federico Gomez
Classification: Pathogenic for Short stature-optic atrophy-Pelger-Huët anomaly syndrome. Last evaluated: 2025-04-08. Review status: no assertion criteria provided. Collection method: research. Allele origin: germline. Affected: yes. Not counted in ClinVar's aggregate classification.

Literature cited by the submitters: PubMed 16199547 (cited by Labcorp Genetics (formerly Invitae), Labcorp); PubMed 26073778 (cited by Labcorp Genetics (formerly Invitae), Labcorp); PubMed 26541327 (cited by Labcorp Genetics (formerly Invitae), Labcorp); PubMed 27789416 (cited by Labcorp Genetics (formerly Invitae), Labcorp); PubMed 28031453 (cited by Labcorp Genetics (formerly Invitae), Labcorp).